The following is an entry in ClinVar:

ClinVar aggregate classification (germline): Uncertain significance (1 of 4 stars; one submission).

Submission:

GeneDx
Classification: Uncertain significance. Last evaluated: 2024-06-03. Review status: criteria provided, single submitter. Criteria: GeneDx Variant Classification Process June 2021. Collection method: clinical testing. Allele origin: germline. Affected: yes.
Comment: Not observed at significant frequency in large population cohorts (gnomAD); In silico analysis indicates that this missense variant does not alter protein structure/function; Has not been previously published as pathogenic or benign to our knowledge

NM_001318852.2(MAPK8IP3):c.716T>A (p.Leu239His)

Gene: MAPK8IP3 (mitogen-activated protein kinase 8 interacting protein 3; plus strand). Cytogenetic location: 16p13.3.
Variant type: single nucleotide variant.
Coding change: c.716T>A on transcript NM_001318852.2 (MANE Select); coding-DNA position 716, T replaced by A.
Protein change: p.Leu239His; replaces leucine 239 with histidine.
Molecular consequence: missense variant.
Genome position (GRCh38, 1-based): chr16:1,743,445, T>A. VCF-style: chr16-1743445-T-A. GRCh37 (hg19) VCF-style: chr16-1793446-T-A.
Other names: c.713T>A, p.Leu238His (NM_001040439.2, NM_015133.5); short protein forms L238H, L239H.
Identifiers: ClinVar variation 3384526 (VCV003384526.1).